The following is an entry in ClinVar:

ClinVar aggregate classification (germline): Uncertain significance (1 of 4 stars; one submission).

Conditions:
Pyknodysostosis. Also called: Pycnodysostosis. Identifiers: Orphanet 763, MedGen C0238402, MONDO:0009940, OMIM 265800.

Submission:

3billion
Classification: Uncertain significance for Pyknodysostosis. Last evaluated: 2023-09-08. Review status: criteria provided, single submitter. Criteria: ACMG Guidelines, 2015. Collection method: clinical testing. Allele origin: germline. Affected: yes.
Comment: The variant is observed at an extremely low frequency in the gnomAD v2.1.1 dataset (total allele frequency: 0.001%). Predicted Consequence/Location: Missense variant In silico tool predictions suggest damaging effect of the variant on gene or gene product [REVEL: 0.95 (>=0.6, sensitivity 0.68 and specificity 0.92); 3Cnet: 0.96 (>=0.6, sensitivity 0.72 and precision 0.9)]. Therefore, this variant is classified as VUS according to the recommendation of ACMG/AMP guideline.

NM_000396.4(CTSK):c.487A>G (p.Ser163Gly)

Gene: CTSK (cathepsin K; minus strand). Cytogenetic location: 1q21.3.
Variant type: single nucleotide variant.
Coding change: c.487A>G on transcript NM_000396.4 (MANE Select); coding-DNA position 487, A replaced by G.
Protein change: p.Ser163Gly; replaces serine 163 with glycine.
Molecular consequence: missense variant.
Genome position (GRCh38, 1-based): chr1:150,804,152, T>C on the plus strand (A>G on the coding strand, the complement: CTSK is on the minus strand). VCF-style: chr1-150804152-T-C. GRCh37 (hg19) VCF-style: chr1-150776628-T-C.
Other names: short protein forms S163G.
Identifiers: ClinVar variation 3776123 (VCV003776123.1).
Genomic context (GRCh38, chr1:150,804,152, plus strand): 5'-TCATGTAGCCCCCTCCACAGCCATCATTCTCAGACACACAATCCACTAGGTTCTGGGGAC[T>C]CAGATTTAAGAGTTTGCCAGTTTTCTTCTTGAGTTGGCCCTCCAGGGCACCCACAGAGCT-3'
Protein context (NP_000387.1, residues 153-173): KKKTGKLLNL[Ser163Gly]PQNLVDCVSE